The following is an entry in ClinVar:

ClinVar aggregate classification (germline): Uncertain significance (1 of 4 stars; one submission).

Allele frequency attached by ClinVar (database versions not stated): TOPMed below 0.00001; gnomAD 0.00001; ExAC 0.00002; ESP Exome Variant Server 0.00008.
gnomAD v4.1: 6 of 1,614,072 alleles (0.00037%); highest among the groups gnomAD compares: Admixed American, 0.01%; no homozygotes.

Submission:

Labcorp Genetics (formerly Invitae), Labcorp
Classification: Uncertain significance. Last evaluated: 2022-04-24. Review status: criteria provided, single submitter. Criteria: Invitae Variant Classification Sherloc (09022015). Collection method: clinical testing. Allele origin: germline.
Comment: In summary, the available evidence is currently insufficient to determine the role of this variant in disease. Therefore, it has been classified as a Variant of Uncertain Significance. Algorithms developed to predict the effect of missense changes on protein structure and function are either unavailable or do not agree on the potential impact of this missense change (SIFT: "Not Available"; PolyPhen-2: "Benign"; Align-GVGD: "Not Available"). This variant has not been reported in the literature in individuals affected with VPS13D-related conditions. This variant is present in population databases (rs142445093, gnomAD 0.02%). This sequence change replaces glutamine, which is neutral and polar, with proline, which is neutral and non-polar, at codon 953 of the VPS13D protein (p.Gln953Pro).

NM_015378.4(VPS13D):c.2858A>C (p.Gln953Pro)

Gene: VPS13D (vacuolar protein sorting 13 homolog D; plus strand). Cytogenetic location: 1p36.22.
Variant type: single nucleotide variant.
Coding change: c.2858A>C on transcript NM_015378.4 (MANE Select); coding-DNA position 2858, A replaced by C.
Protein change: p.Gln953Pro; replaces glutamine 953 with proline.
Molecular consequence: missense variant.
Genome position (GRCh38, 1-based): chr1:12,276,446, A>C. VCF-style: chr1-12276446-A-C. GRCh37 (hg19) VCF-style: chr1-12336503-A-C.
Other names: c.2858A>C, p.Gln953Pro (NM_018156.4); short protein forms Q953P.
Identifiers: ClinVar variation 1945905 (VCV001945905.4), dbSNP rs142445093, ClinGen allele CA601883.
Genomic context (GRCh38, chr1:12,276,446, plus strand): 5'-ATTTAACCCAGAGCATTGTGTTGTTGGAGCAGCATACCCGCGAGGTTCTGGTGGAGTCGC[A>C]GCTCCTCCTGGCGGAATTTAAAGTGAACTGTATGCAGCTTGGTGTTGAGAGCAATGGCCG-3'
Protein context (NP_056193.2, residues 943-963): QHTREVLVES[Gln953Pro]LLLAEFKVNC